The following is an entry in ClinVar:

NM_006231.4(POLE):c.3899G>A (p.Gly1300Asp)

Gene: POLE (DNA polymerase epsilon, catalytic subunit; minus strand). Cytogenetic location: 12q24.33.
Variant type: single nucleotide variant.
Coding change: c.3899G>A on transcript NM_006231.4 (MANE Select); coding-DNA position 3899, G replaced by A.
Protein change: p.Gly1300Asp; replaces glycine 1300 with aspartic acid.
Molecular consequence: missense variant.
Genome position (GRCh38, 1-based): chr12:132,649,412, C>T on the plus strand (G>A on the coding strand, the complement: POLE is on the minus strand). VCF-style: chr12-132649412-C-T. GRCh37 (hg19) VCF-style: chr12-133225998-C-T.
Other names: c.3899G>A (NM_006231.2); short protein forms G1300D.
Identifiers: ClinVar variation 937482 (VCV000937482.10), dbSNP rs2042366286, ClinGen allele CA387385198.

ClinVar aggregate classification (germline): Uncertain significance. Review status: criteria provided, multiple submitters, no conflicts (2 of 4 stars). 2 submissions from 2 submitters: Uncertain significance (2). Last evaluated 2025-11-17.

Conditions:
Hereditary cancer-predisposing syndrome. Also called: Tumor predisposition; Hereditary neoplastic syndrome; Hereditary Cancer Syndrome; Neoplastic Syndromes, Hereditary. Identifiers: Orphanet 140162, MedGen C0027672, MeSH D009386, MONDO:0015356.

Submissions (2):

Labcorp Genetics (formerly Invitae), Labcorp
Classification: Uncertain significance. Last evaluated: 2025-11-17. Review status: criteria provided, single submitter. Criteria: Invitae Variant Classification Sherloc (09022015). Collection method: clinical testing. Allele origin: germline.
Comment: This sequence change replaces glycine, which is neutral and non-polar, with aspartic acid, which is acidic and polar, at codon 1300 of the POLE protein (p.Gly1300Asp). This variant is not present in population databases (gnomAD no frequency). This variant has not been reported in the literature in individuals affected with POLE-related conditions. ClinVar contains an entry for this variant (Variation ID: 937482). An algorithm developed to predict the effect of missense changes on protein structure and function outputs the following: PolyPhen-2: "Benign". The aspartic acid amino acid residue is found in multiple mammalian species, which suggests that this missense change does not adversely affect protein function. In summary, the available evidence is currently insufficient to determine the role of this variant in disease. Therefore, it has been classified as a Variant of Uncertain Significance.

Ambry Genetics
Classification: Uncertain significance for Hereditary cancer-predisposing syndrome. Last evaluated: 2023-07-04. Review status: criteria provided, single submitter. Criteria: Ambry Variant Classification Scheme 2023. Collection method: clinical testing. Allele origin: germline.
Comment: The p.G1300D variant (also known as c.3899G>A), located in coding exon 31 of the POLE gene, results from a G to A substitution at nucleotide position 3899. The glycine at codon 1300 is replaced by aspartic acid, an amino acid with similar properties. This amino acid position is conserved. In addition, this alteration is predicted to be tolerated by in silico analysis. Since supporting evidence is limited at this time, the clinical significance of this alteration remains unclear.